The following is an entry in ClinVar:

NC_000003.12:g.171027131T>G

Gene: SLC2A2 (solute carrier family 2 member 2; minus strand). Cytogenetic location: 3q26.2.
Variant type: single nucleotide variant.
Genome position: GRCh38 VCF-style: chr3-171027131-T-G. GRCh37 (hg19) VCF-style: chr3-170744920-T-G.
Identifiers: ClinVar variation 1170126 (VCV001170126.9), dbSNP rs5393, ClinGen allele CA11386815.

ClinVar aggregate classification (germline): Benign. Review status: criteria provided, multiple submitters, no conflicts (2 of 4 stars). 2 submissions from 2 submitters: Benign (2). Last evaluated 2025-06-16.

Conditions:
Fanconi-Bickel syndrome (FBS). Also called: Glycogen storage disease due to GLUT2 deficiency; PSEUDO-PHLORIZIN DIABETES; FANCONI SYNDROME WITH INTESTINAL MALABSORPTION AND GALACTOSE INTOLERANCE; HEPATIC GLYCOGENOSIS WITH AMINO ACIDURIA AND GLUCOSURIA; HEPATIC GLYCOGENOSIS WITH FANCONI NEPHROPATHY; HEPATORENAL GLYCOGENOSIS WITH RENAL FANCONI SYNDROME. Identifiers: Orphanet 2088, MedGen C3495427, MONDO:0009216, OMIM 227810.

Allele frequency attached by ClinVar (database versions not stated): gnomAD 0.22108 and 0.22748; 1000 Genomes Project 0.22704; TOPMed 0.23376; 1000 Genomes Project 30x 0.23688.

Submissions (2):

Labcorp Genetics (formerly Invitae), Labcorp
Classification: Benign for Fanconi-Bickel syndrome. Last evaluated: 2025-06-16. Review status: criteria provided, single submitter. Criteria: Invitae Variant Classification Sherloc (09022015). Collection method: clinical testing. Allele origin: germline.

GeneDx
Classification: Benign. Last evaluated: 2018-06-23. Review status: criteria provided, single submitter. Criteria: GeneDx Variant Classification Process June 2021. Collection method: clinical testing. Allele origin: germline. Affected: yes.
Comment: This variant is associated with the following publications: (PMID: 15983230)